The following is an entry in ClinVar:

NM_001042492.3(NF1):c.292C>A (p.Pro98Thr)

Gene: NF1 (neurofibromin 1; plus strand). Cytogenetic location: 17q11.2.
Variant type: single nucleotide variant.
Coding change: c.292C>A on transcript NM_001042492.3 (MANE Select); coding-DNA position 292, C replaced by A.
Protein change: p.Pro98Thr; replaces proline 98 with threonine.
Molecular consequence: missense variant.
Genome position (GRCh38, 1-based): chr17:31,163,189, C>A. VCF-style: chr17-31163189-C-A. GRCh37 (hg19) VCF-style: chr17-29490207-C-A.
Other names: c.292C>A, p.Pro98Thr (NM_000267.4, NM_001128147.3); short protein forms P98T.
Identifiers: ClinVar variation 2765037 (VCV002765037.3), dbSNP rs2544700088, ClinGen allele CA398981629.
Genomic context (GRCh38, chr17:31,163,189, plus strand): 5'-AGAAAATGTTTACAGGTAAAATTAAAGTTTAGAATAATGTGATTATTTCTATTTTAGCAA[C>A]CAAAGGACACAATGAGATTAGATGAAACGATGCTGGTCAAACAGTTGCTGCCAGAAATCT-3'
Protein context (NP_001035957.1, residues 88-108): DTLEKCLAGQ[Pro98Thr]KDTMRLDETM

ClinVar aggregate classification (germline): Uncertain significance (1 of 4 stars; one submission).

Conditions:
Neurofibromatosis, type 1 (NF1). Also called: VON RECKLINGHAUSEN DISEASE; Neurofibromatosis, type I; NEUROFIBROMATOSIS, TYPE I, SOMATIC; Peripheral type neurofibromatosis. Identifiers: Orphanet 636, MedGen C0027831, MONDO:0018975, OMIM 162200. Disease mechanism: loss of function.

Submission:

Labcorp Genetics (formerly Invitae), Labcorp
Classification: Uncertain significance for Neurofibromatosis, type 1. Last evaluated: 2023-10-04. Review status: criteria provided, single submitter. Criteria: Invitae Variant Classification Sherloc (09022015). Collection method: clinical testing. Allele origin: germline.
Comment: This sequence change replaces proline, which is neutral and non-polar, with threonine, which is neutral and polar, at codon 98 of the NF1 protein (p.Pro98Thr). This variant is not present in population databases (gnomAD no frequency). This variant has not been reported in the literature in individuals affected with NF1-related conditions. Advanced modeling of protein sequence and biophysical properties (such as structural, functional, and spatial information, amino acid conservation, physicochemical variation, residue mobility, and thermodynamic stability) has been performed at Invitae for this missense variant, however the output from this modeling did not meet the statistical confidence thresholds required to predict the impact of this variant on NF1 protein function. In summary, the available evidence is currently insufficient to determine the role of this variant in disease. Therefore, it has been classified as a Variant of Uncertain Significance.